The following is an entry in ClinVar:

ClinVar aggregate classification (germline): Uncertain significance (1 of 4 stars; one submission).

Submission:

GeneDx
Classification: Uncertain significance. Last evaluated: 2024-12-15. Review status: criteria provided, single submitter. Criteria: GeneDx Variant Classification Process June 2021. Collection method: clinical testing. Allele origin: germline. Affected: yes.
Comment: Not observed at significant frequency in large population cohorts (gnomAD); In silico analysis supports that this missense variant has a deleterious effect on protein structure/function; In silico analysis supports a deleterious effect on splicing; Has not been previously published as pathogenic or benign to our knowledge

NM_006767.4(LZTR1):c.2212G>T (p.Asp738Tyr)

Gene: LZTR1 (leucine zipper like post translational regulator 1; plus strand). Cytogenetic location: 22q11.21.
Variant type: single nucleotide variant.
Coding change: c.2212G>T on transcript NM_006767.4 (MANE Select); coding-DNA position 2212, G replaced by T.
Protein change: p.Asp738Tyr; replaces aspartic acid 738 with tyrosine.
Molecular consequence: missense variant.
Genome position (GRCh38, 1-based): chr22:20,996,105, G>T. VCF-style: chr22-20996105-G-T. GRCh37 (hg19) VCF-style: chr22-21350394-G-T.
Other names: short protein forms D738Y.
Identifiers: ClinVar variation 3903125 (VCV003903125.1).
Genomic context (GRCh38, chr22:20,996,105, plus strand): 5'-CAGGCCTTCGAGTCCATGCTGCGCTACATCTACTACGGCGAGGTCAACATGCCGCCCGAG[G>T]ACTCGCTGCATCCTCACTCCCCAGTGAACTCCCAGGTCCCCACCAAGGGGTCCTGGCACC-3'
Protein context (NP_006758.2, residues 728-748): YYGEVNMPPE[Asp738Tyr]SLYLFAAPYY